The following is an entry in ClinVar:

ClinVar aggregate classification (germline): Uncertain significance (1 of 4 stars; one submission).

Conditions:
Emery-Dreifuss muscular dystrophy 4, autosomal dominant (EDMD4). Also called: EMERY-DREIFUSS MUSCULAR DYSTROPHY 4 WITH VARIABLE FEATURES. Identifiers: Orphanet 261, MedGen C2751807, MONDO:0013071, OMIM 612998.
Autosomal recessive ataxia, Beauce type. Also called: Spinocerebellar ataxia, autosomal recessive 8; ATAXIA, RECESSIVE, OF BEAUCE; SYNE1 Deficiency; SYNE1-Related Autosomal Recessive Cerebellar Ataxia. Identifiers: Orphanet 88644, MedGen C1853116, MONDO:0012549, OMIM 610743.

Allele frequency attached by ClinVar (database versions not stated): gnomAD exomes below 0.00001; ExAC 0.00001.

Submission:

Labcorp Genetics (formerly Invitae), Labcorp
Classification: Uncertain significance for Emery-Dreifuss muscular dystrophy 4, autosomal dominant; Autosomal recessive ataxia, Beauce type. Last evaluated: 2020-02-15. Review status: criteria provided, single submitter. Criteria: Invitae Variant Classification Sherloc (09022015). Collection method: clinical testing. Allele origin: germline.
Comment: In summary, the available evidence is currently insufficient to determine the role of this variant in disease. Therefore, it has been classified as a Variant of Uncertain Significance. This sequence change replaces isoleucine with leucine at codon 3385 of the SYNE1 protein (p.Ile3385Leu). The isoleucine residue is highly conserved and there is a small physicochemical difference between isoleucine and leucine. This variant is present in population databases (rs758060339, ExAC 0.001%). This variant has not been reported in the literature in individuals with SYNE1-related conditions. Algorithms developed to predict the effect of missense changes on protein structure and function are either unavailable or do not agree on the potential impact of this missense change (SIFT: "Deleterious"; PolyPhen-2: "Possibly Damaging"; Align-GVGD: "Class C0").

NM_182961.4(SYNE1):c.10132A>C (p.Ile3378Leu)

Gene: SYNE1 (spectrin repeat containing nuclear envelope protein 1; minus strand). Cytogenetic location: 6q25.2.
Variant type: single nucleotide variant.
Coding change: c.10132A>C on transcript NM_182961.4 (MANE Select); coding-DNA position 10132, A replaced by C.
Protein change: p.Ile3378Leu; replaces isoleucine 3378 with leucine.
Molecular consequence: missense variant.
Genome position (GRCh38, 1-based): chr6:152,364,860, T>G on the plus strand (A>C on the coding strand, the complement: SYNE1 is on the minus strand). VCF-style: chr6-152364860-T-G. GRCh37 (hg19) VCF-style: chr6-152685995-T-G.
Other names: c.10153A>C, p.Ile3385Leu (NM_033071.5); short protein forms I3378L, I3385L.
Identifiers: ClinVar variation 1063340 (VCV001063340.9), dbSNP rs758060339, ClinGen allele CA4057073.